The following is an entry in ClinVar:

NM_015915.5(ATL1):c.1259A>G (p.Gln420Arg)

Gene: ATL1 (atlastin GTPase 1; plus strand). Cytogenetic location: 14q22.1.
Variant type: single nucleotide variant.
Coding change: c.1259A>G on transcript NM_015915.5 (MANE Select); coding-DNA position 1259, A replaced by G.
Protein change: p.Gln420Arg; replaces glutamine 420 with arginine.
Molecular consequence: missense variant.
Genome position (GRCh38, 1-based): chr14:50,628,170, A>G. VCF-style: chr14-50628170-A-G. GRCh37 (hg19) VCF-style: chr14-51094888-A-G.
Other names: c.1259A>G, p.Gln420Arg (NM_001127713.1, NM_181598.4); short protein forms Q420R.
Identifiers: ClinVar variation 651930 (VCV000651930.9), dbSNP rs143038913, ClinGen allele CA260794691.

ClinVar aggregate classification (germline): Uncertain significance. Review status: criteria provided, multiple submitters, no conflicts (2 of 4 stars). 2 submissions from 2 submitters: Uncertain significance (2). Last evaluated 2025-05-27.

Conditions:
Hereditary spastic paraplegia 3A (SPG3A). Also called: Spastic Paraplegia 3A; Spastic paraplegia 3A, autosomal dominant; SPASTIC PARAPLEGIA 3, AUTOSOMAL DOMINANT; FAMILIAL SPASTIC PARAPLEGIA, AUTOSOMAL DOMINANT, 1; SPG3; STRUMPELL DISEASE. Identifiers: Orphanet 100984, MedGen C2931355, MONDO:0008437, OMIM 182600.

Allele frequency attached by ClinVar (database versions not stated): gnomAD exomes below 0.00001 and 0.00001; ESP Exome Variant Server 0.00008.
gnomAD v4.1: 8 of 1,614,214 alleles (0.0005%); highest among the groups gnomAD compares: Non-Finnish European, 0.00068%; no homozygotes.

Submissions (2):

Department of Paediatrics at Addenbrookes, Cambridge University Hospitals NHS Foundation Trust (UK)
Classification: Uncertain significance for Hereditary spastic paraplegia 3A. Last evaluated: 2025-05-27. Review status: criteria provided, single submitter. Criteria: Durkie Uk Practice Guidelines For Variant Classification V12 2024 (1). Collection method: clinical testing. Allele origin: unknown.
Comment: PM1_Moderate; PM2_Moderate; PP2_Supporting; BP4_Supporting

Labcorp Genetics (formerly Invitae), Labcorp
Classification: Uncertain significance for Hereditary spastic paraplegia 3A. Last evaluated: 2024-02-11. Review status: criteria provided, single submitter. Criteria: Invitae Variant Classification Sherloc (09022015). Collection method: clinical testing. Allele origin: germline.
Comment: This sequence change replaces glutamine, which is neutral and polar, with arginine, which is basic and polar, at codon 420 of the ATL1 protein (p.Gln420Arg). This variant is not present in population databases (gnomAD no frequency). This variant has not been reported in the literature in individuals affected with ATL1-related conditions. ClinVar contains an entry for this variant (Variation ID: 651930). Advanced modeling of protein sequence and biophysical properties (such as structural, functional, and spatial information, amino acid conservation, physicochemical variation, residue mobility, and thermodynamic stability) performed at Invitae indicates that this missense variant is not expected to disrupt ATL1 protein function with a negative predictive value of 80%. In summary, the available evidence is currently insufficient to determine the role of this variant in disease. Therefore, it has been classified as a Variant of Uncertain Significance.